The following is an entry in ClinVar:

NC_000002.11:g.(?_85616854)_(85618085_?)del

Gene: ELMOD3 (ELMO domain containing 3; plus strand). Cytogenetic location: 2p11.2.
Variant type: Deletion.
Identifiers: ClinVar variation 1373624 (VCV001373624.7).

ClinVar aggregate classification (germline): Uncertain significance (1 of 4 stars; one submission).

Submission:

Labcorp Genetics (formerly Invitae), Labcorp
Classification: Uncertain significance. Last evaluated: 2022-10-16. Review status: criteria provided, single submitter. Criteria: Invitae Variant Classification Sherloc (09022015). Collection method: clinical testing. Allele origin: germline.
Comment: This variant is a gross deletion of the genomic region encompassing exon(s) 13-15 of the ELMOD3 gene, which includes the termination codon. This deletion extends beyond the assayed region for this gene and therefore may encompass additional genes. While this deletion is not anticipated to lead to nonsense mediated decay, it is expected to alter mRNA translation or result in a truncated protein product. This variant has not been reported in the literature in individuals affected with ELMOD3-related conditions. Experimental studies and prediction algorithms are not available or were not evaluated, and the functional significance of this variant is currently unknown. In summary, the available evidence is currently insufficient to determine the role of this variant in disease. Therefore, it has been classified as a Variant of Uncertain Significance.